The following is an entry in ClinVar:

ClinVar aggregate classification (germline): Uncertain significance (1 of 4 stars; one submission).

Submission:

Labcorp Genetics (formerly Invitae), Labcorp
Classification: Uncertain significance. Last evaluated: 2025-07-03. Review status: criteria provided, single submitter. Criteria: Invitae Variant Classification Sherloc (09022015). Collection method: clinical testing. Allele origin: germline.
Comment: This variant, c.108_110del, results in the deletion of 1 amino acid(s) of the EBP protein (p.Ser37del), but otherwise preserves the integrity of the reading frame. This variant is not present in population databases (gnomAD no frequency). This variant has not been reported in the literature in individuals affected with EBP-related conditions. Experimental studies and prediction algorithms are not available or were not evaluated, and the functional significance of this variant is currently unknown. In summary, the available evidence is currently insufficient to determine the role of this variant in disease. Therefore, it has been classified as a Variant of Uncertain Significance.

NM_006579.3(EBP):c.108_110del (p.Ser37del)

Gene: EBP (EBP cholestenol delta-isomerase; plus strand). Cytogenetic location: Xp11.23.
Variant type: Deletion.
Coding change: c.108_110del on transcript NM_006579.3 (MANE Select); coding-DNA positions 108 to 110, 3 bases deleted (CTC; older notation c.108_110delCTC).
Protein change: p.Ser37del; deletes serine 37.
Molecular consequence: inframe deletion.
Genome position (GRCh38, 1-based): chrX:48,523,879-48,523,881, CTC deleted. VCF-style (leftmost placement, unchanged base first): chrX-48523878-TCTC-T. GRCh37 (hg19) VCF-style: chrX-48382266-TCTC-T.
Other names: short protein forms S37del.
Identifiers: ClinVar variation 4722603 (VCV004722603.1).